The following is an entry in ClinVar:

NM_001388492.1(HTT):c.8678G>T (p.Arg2893Leu)

Gene: HTT (huntingtin; plus strand). Cytogenetic location: 4p16.3.
Variant type: single nucleotide variant.
Coding change: c.8678G>T on transcript NM_001388492.1 (MANE Select); coding-DNA position 8678, G replaced by T.
Protein change: p.Arg2893Leu; replaces arginine 2893 with leucine.
Molecular consequence: missense variant.
Genome position (GRCh38, 1-based): chr4:3,235,671, G>T. VCF-style: chr4-3235671-G-T. GRCh37 (hg19) VCF-style: chr4-3237398-G-T.
Other names: c.8684G>T, p.Arg2895Leu (NM_002111.8); short protein forms R2895L, R2893L.
Identifiers: ClinVar variation 1350636 (VCV001350636.7), dbSNP rs574794357, ClinGen allele CA2825764.
Genomic context (GRCh38, chr4:3,235,671, plus strand): 5'-TCATTTACCACTGTGCCCTCAGAGGCCTGGAGCGCCTCCTGCTCTCTGAGCAGCTCTCCC[G>T]CCTGGATGCAGAATCGCTGGTCAAGCTGAGTGTGGACAGAGTGAACGTGCACAGCCCGCA-3'
Protein context (NP_001375421.1, residues 2883-2903): ERLLLSEQLS[Arg2893Leu]LDAESLVKLS

ClinVar aggregate classification (germline): Uncertain significance (1 of 4 stars; one submission).

Allele frequency attached by ClinVar (database versions not stated): 1000 Genomes Project 30x 0.00016.
gnomAD v4.1: 12 of 1,613,634 alleles (0.00074%); highest among the groups gnomAD compares: Admixed American, 0.0067%; no homozygotes.

Submissions (2):

Labcorp Genetics (formerly Invitae), Labcorp
Classification: Uncertain significance. Last evaluated: 2022-09-01. Review status: criteria provided, single submitter. Criteria: Invitae Variant Classification Sherloc (09022015). Collection method: clinical testing. Allele origin: germline.
Comment: This variant is present in population databases (rs574794357, gnomAD 0.003%). This variant has not been reported in the literature in individuals affected with HTT-related conditions. This sequence change replaces arginine, which is basic and polar, with leucine, which is neutral and non-polar, at codon 2895 of the HTT protein (p.Arg2895Leu). ClinVar contains an entry for this variant (Variation ID: 1350636). Experimental studies and prediction algorithms are not available or were not evaluated, and the functional significance of this variant is currently unknown. Algorithms developed to predict the effect of sequence changes on RNA splicing suggest that this variant may create or strengthen a splice site. In summary, the available evidence is currently insufficient to determine the role of this variant in disease. Therefore, it has been classified as a Variant of Uncertain Significance.

Dr. Peter K. Rogan Lab, Western University
No classification provided (evidence only). Condition: Clear cell carcinoma of kidney. Review status: no classification provided. Collection method: in vitro. Allele origin: not applicable. Functional consequence: retained intron. Not counted in ClinVar's aggregate classification.